The following is an entry in ClinVar:

NM_002890.3(RASA1):c.1527C>A (p.Ser509Arg)

Genes: CCNH (cyclin H; minus strand), RASA1 (RAS p21 protein activator 1; plus strand). Cytogenetic location: 5q14.3.
Variant type: single nucleotide variant.
Coding change: c.1527C>A on transcript NM_002890.3 (MANE Select); coding-DNA position 1527, C replaced by A.
Protein change: p.Ser509Arg; replaces serine 509 with arginine.
Molecular consequence: missense variant. On other transcripts: intron variant (1).
Genome position (GRCh38, 1-based): chr5:87,363,421, C>A. VCF-style: chr5-87363421-C-A. GRCh37 (hg19) VCF-style: chr5-86659238-C-A.
Other names: c.996C>A, p.Ser332Arg (NM_022650.3); c.933+31623G>T (NM_001364075.2); short protein forms S332R, S509R.
Identifiers: ClinVar variation 4809489 (VCV004809489.1).
Genomic context (GRCh38, chr5:87,363,421, plus strand): 5'-TTGGAAAAATTTATATTTTATCTTAGAGGGTAGTGATGCCCAACTTATTTATTTTGAAAG[C>A]GAAAAACGAGCTACCAAACCAAAAGGATTAATAGATCTCAGTGTATGTTCTGTCTATGTC-3'
Protein context (NP_002881.1, residues 499-519): GSDAQLIYFE[Ser509Arg]EKRATKPKGL

ClinVar aggregate classification (germline): Uncertain significance (1 of 4 stars; one submission).

Conditions:
Capillary malformation-arteriovenous malformation syndrome. Also called: Capillary malformation-arteriovenous malformation. Identifiers: Orphanet 137667, MedGen C1842180, MONDO:0012016.

Submission:

Labcorp Genetics (formerly Invitae), Labcorp
Classification: Uncertain significance for Capillary malformation-arteriovenous malformation syndrome. Last evaluated: 2025-12-03. Review status: criteria provided, single submitter. Criteria: Invitae Variant Classification Sherloc (09022015). Collection method: clinical testing. Allele origin: germline.
Comment: This sequence change replaces serine, which is neutral and polar, with arginine, which is basic and polar, at codon 509 of the RASA1 protein (p.Ser509Arg). This variant is not present in population databases (gnomAD no frequency). This variant has not been reported in the literature in individuals affected with RASA1-related conditions. An algorithm developed to predict the effect of missense changes on protein structure and function (PolyPhen-2) suggests that this variant is likely to be disruptive. In summary, the available evidence is currently insufficient to determine the role of this variant in disease. Therefore, it has been classified as a Variant of Uncertain Significance.